The following is an entry in ClinVar:

ClinVar aggregate classification (germline): Uncertain significance (1 of 4 stars; one submission).

Conditions:
Infantile spasms. Also called: Infantile spasm. Identifiers: MedGen C3887898, HP:0012469.

Allele frequency attached by ClinVar (database versions not stated): gnomAD exomes below 0.00001; ExAC 0.00001; TOPMed 0.00001; gnomAD 0.00003; ESP Exome Variant Server 0.00008.
gnomAD v4.1: 10 of 1,613,978 alleles (0.00062%); highest among the groups gnomAD compares: Middle Eastern, 0.016%; no homozygotes.

Submission:

Labcorp Genetics (formerly Invitae), Labcorp
Classification: Uncertain significance for Infantile spasms. Last evaluated: 2025-01-18. Review status: criteria provided, single submitter. Criteria: Invitae Variant Classification Sherloc (09022015). Collection method: clinical testing. Allele origin: germline.
Comment: This sequence change replaces aspartic acid, which is acidic and polar, with glycine, which is neutral and non-polar, at codon 203 of the PIK3AP1 protein (p.Asp203Gly). This variant is present in population databases (rs369893107, gnomAD 0.007%). This variant has not been reported in the literature in individuals affected with PIK3AP1-related conditions. ClinVar contains an entry for this variant (Variation ID: 2996805). An algorithm developed to predict the effect of missense changes on protein structure and function (PolyPhen-2) suggests that this variant is likely to be disruptive. Algorithms developed to predict the effect of sequence changes on RNA splicing suggest that this variant may disrupt the consensus splice site. In summary, the available evidence is currently insufficient to determine the role of this variant in disease. Therefore, it has been classified as a Variant of Uncertain Significance.

NM_152309.3(PIK3AP1):c.608A>G (p.Asp203Gly)

Gene: PIK3AP1 (phosphoinositide-3-kinase adaptor protein 1; minus strand). Cytogenetic location: 10q24.1.
Variant type: single nucleotide variant.
Coding change: c.608A>G on transcript NM_152309.3 (MANE Select); coding-DNA position 608, A replaced by G.
Protein change: p.Asp203Gly; replaces aspartic acid 203 with glycine.
Molecular consequence: missense variant.
Genome position (GRCh38, 1-based): chr10:96,652,802, T>C on the plus strand (A>G on the coding strand, the complement: PIK3AP1 is on the minus strand). VCF-style: chr10-96652802-T-C. GRCh37 (hg19) VCF-style: chr10-98412559-T-C.
Other names: short protein forms D203G.
Identifiers: ClinVar variation 2996805 (VCV002996805.3), dbSNP rs369893107, ClinGen allele CA5626491.